The following is an entry in ClinVar:

ClinVar aggregate classification (germline): Conflicting classifications of pathogenicity. Review status: criteria provided, conflicting classifications (1 of 4 stars). 10 submissions from 10 submitters: Uncertain significance (1); Benign (1); Likely benign (5). 3 of the submissions do not count toward it. Last evaluated 2026-10-01.

Conditions:
Hereditary spastic paraplegia. Also called: Familial spastic paraparesis. Identifiers: Orphanet 685, MedGen C0037773, MONDO:0019064. Disease mechanism: loss of function.
NIPA1-related disorder. Also called: NIPA1-related condition.
Hereditary spastic paraplegia 6 (SPG6). Also called: SPASTIC PARAPLEGIA 6, AUTOSOMAL DOMINANT. Identifiers: Orphanet 100988, MedGen C1838192, MONDO:0010878, OMIM 600363.

Allele frequency attached by ClinVar (database versions not stated): ESP Exome Variant Server 0.00046; gnomAD 0.00051; TOPMed 0.00055; 1000 Genomes Project 30x 0.00078; 1000 Genomes Project 0.00080.
gnomAD v4.1: 1,856 of 1,607,748 alleles (0.12%); highest among the groups gnomAD compares: Non-Finnish European, 0.15%; 5 homozygotes.

Submissions (10):

CeGaT Center for Human Genetics Tuebingen
Classification: Likely benign. Last evaluated: 2026-10-01. Review status: criteria provided, single submitter. Criteria: CeGaT Center For Human Genetics Tuebingen Variant Classification Criteria Version 2. Collection method: clinical testing. Allele origin: germline. Affected: yes. Observed: 1 variant allele.
Comment: NIPA1: BP4, BP7, BS1

Labcorp Genetics (formerly Invitae), Labcorp
Classification: Benign for Hereditary spastic paraplegia 6. Last evaluated: 2026-01-05. Review status: criteria provided, single submitter. Criteria: Invitae Variant Classification Sherloc (09022015). Collection method: clinical testing. Allele origin: germline.

Blueprint Genetics
Classification: Likely benign. Last evaluated: 2024-11-26. Review status: criteria provided, single submitter. Criteria: ACMG Guidelines, 2015. Collection method: clinical testing. Allele origin: germline.

Genome Diagnostics Laboratory, The Hospital for Sick Children
Classification: Likely benign for Hereditary spastic paraplegia. Last evaluated: 2018-07-01. Review status: criteria provided, single submitter. Criteria: ACMG Guidelines, 2015. Collection method: clinical testing. Allele origin: germline. Affected: yes.

Illumina Laboratory Services, Illumina
Classification: Likely benign for Hereditary spastic paraplegia 6. Last evaluated: 2018-01-12. Review status: criteria provided, single submitter. Criteria: ICSL Variant Classification Criteria 13 December 2019. Collection method: clinical testing. Allele origin: germline.
Comment: This variant was observed in the ICSL laboratory as part of a predisposition screen in an ostensibly healthy population. It had not been previously curated by ICSL or reported in the Human Gene Mutation Database (HGMD: prior to June 1st, 2018), and was therefore a candidate for classification through an automated scoring system. Utilizing variant allele frequency, disease prevalence and penetrance estimates, and inheritance mode, an automated score was calculated to assess if this variant is too frequent to cause the disease. Based on the score and internal cut-off values, a variant classified as likely benign is not then subjected to further curation. The score for this variant resulted in a classification of likely benign for this disease.

GeneDx
Classification: Likely benign. Last evaluated: 2017-02-13. Review status: criteria provided, single submitter. Criteria: GeneDx Variant Classification (06012015). Collection method: clinical testing. Allele origin: germline. Affected: yes.
Comment: This variant is considered likely benign or benign based on one or more of the following criteria: it is a conservative change, it occurs at a poorly conserved position in the protein, it is predicted to be benign by multiple in silico algorithms, and/or has population frequency not consistent with disease.

Eurofins Ntd Llc (ga)
Classification: Uncertain significance. Last evaluated: 2016-08-15. Review status: criteria provided, single submitter. Criteria: EGL Classification Definitions 2015. Collection method: clinical testing. Allele origin: germline. Observed: 2 variant alleles, 2 heterozygotes.

PreventionGenetics, part of Exact Sciences
Classification: Likely benign for NIPA1-related condition. Last evaluated: 2019-03-05. Review status: no assertion criteria provided. Collection method: clinical testing. Allele origin: germline. Not counted in ClinVar's aggregate classification.
Comment: This variant is classified as likely benign based on ACMG/AMP sequence variant interpretation guidelines (Richards et al. 2015 PMID: 25741868, with internal and published modifications).

Clinical Genetics DNA and cytogenetics Diagnostics Lab, Erasmus MC, Erasmus Medical Center
Classification: Likely benign. Review status: no assertion criteria provided. Collection method: clinical testing. Allele origin: germline. Affected: yes. Study: VKGL Data-share Consensus. Not counted in ClinVar's aggregate classification.

Clinical Genetics, Academic Medical Center
Classification: Likely benign. Review status: no assertion criteria provided. Collection method: clinical testing. Allele origin: germline. Affected: yes. Study: VKGL Data-share Consensus. Not counted in ClinVar's aggregate classification.

NM_144599.5(NIPA1):c.312G>A (p.Pro104=)

Gene: NIPA1 (NIPA magnesium transporter 1; plus strand). Cytogenetic location: 15q11.2.
Variant type: single nucleotide variant.
Coding change: c.312G>A on transcript NM_144599.5 (MANE Select); coding-DNA position 312, G replaced by A.
Protein change: p.Pro104=; no amino-acid change (proline 104 retained).
Molecular consequence: synonymous variant.
Genome position (GRCh38, 1-based): chr15:22,812,248, G>A. VCF-style: chr15-22812248-G-A. GRCh37 (hg19) VCF-style: chr15-23060820-C-T.
Other names: c.87G>A, p.Pro29= (NM_001142275.1).
Identifiers: ClinVar variation 289458 (VCV000289458.29), dbSNP rs139372534, ClinGen allele CA7426136.
Genomic context (GRCh38, chr15:22,812,248, plus strand): 5'-CCTGGCTTACACGGCGGTCCCCACGGTCCTGGTAACCCCCCTGGGCGCCCTTGGAGTACC[G>A]TTCGGGTGAGAGCCAAGATTGTGTTTGGTATTTAATGTGTAGTGTAGATATAACAACTTT-3'
Protein context (NP_653200.2, residues 94-114): LVTPLGALGV[Pro104=]FGSILASYLL